The following is an entry in ClinVar:

ClinVar aggregate classification (germline): Uncertain significance (1 of 4 stars; one submission).

Allele frequency attached by ClinVar (database versions not stated): gnomAD exomes below 0.00001.

Submission:

Labcorp Genetics (formerly Invitae), Labcorp
Classification: Uncertain significance. Last evaluated: 2025-03-05. Review status: criteria provided, single submitter. Criteria: Invitae Variant Classification Sherloc (09022015). Collection method: clinical testing. Allele origin: germline.
Comment: This sequence change falls in intron 1 of the PFN1 gene. It does not directly change the encoded amino acid sequence of the PFN1 protein. It affects a nucleotide within the consensus splice site. This variant is not present in population databases (gnomAD no frequency). This variant has not been reported in the literature in individuals affected with PFN1-related conditions. ClinVar contains an entry for this variant (Variation ID: 1046192). Variants that disrupt the consensus splice site are a relatively common cause of aberrant splicing (PMID: 17576681, 9536098). Algorithms developed to predict the effect of sequence changes on RNA splicing suggest that this variant is not likely to affect RNA splicing. In summary, the available evidence is currently insufficient to determine the role of this variant in disease. Therefore, it has been classified as a Variant of Uncertain Significance.

Literature cited by the submitters: PubMed 17576681; PubMed 9536098.

NM_005022.4(PFN1):c.133-3C>T

Gene: PFN1 (profilin 1; minus strand). Cytogenetic location: 17p13.2.
Variant type: single nucleotide variant.
Coding change: c.133-3C>T on transcript NM_005022.4 (MANE Select); 3 bases into the intron before coding-DNA position 133, C replaced by T.
Molecular consequence: intron variant.
Genome position (GRCh38, 1-based): chr17:4,946,823, G>A on the plus strand (C>T on the coding strand, the complement: PFN1 is on the minus strand). VCF-style: chr17-4946823-G-A. GRCh37 (hg19) VCF-style: chr17-4850118-G-A.
Other names: c.133-3C>T (NM_001375991.1).
Identifiers: ClinVar variation 1046192 (VCV001046192.6), dbSNP rs879091547, ClinGen allele CA397274570.
Genomic context (GRCh38, chr17:4,946,823, plus strand): 5'-GCCCATTCACGTAAAAACTTGACCGGTCTTTGCCAACCAGGACACCCACCTCAGCTGGCT[G>A]GAAGAGGAACCAAGCGCCCATCAAGTTAGTCAGTGCACCAAGATTCCCACCGTGTTCTCC-3'